The following is an entry in ClinVar:

ClinVar aggregate classification (germline): Uncertain significance. Review status: criteria provided, multiple submitters, no conflicts (2 of 4 stars). 2 submissions from 2 submitters: Uncertain significance (2). Last evaluated 2026-04-18.

Submissions (2):

GeneDx
Classification: Uncertain significance. Last evaluated: 2026-04-18. Review status: criteria provided, single submitter. Criteria: GeneDx Variant Classification Process June 2021. Collection method: clinical testing. Allele origin: germline.
Comment: In-frame deletion of 4 amino acid(s) in a non-repeat region; In silico analysis suggests that this variant does not alter protein structure/function; Has not been previously published as pathogenic or benign to our knowledge

Labcorp Genetics (formerly Invitae), Labcorp
Classification: Uncertain significance. Last evaluated: 2022-03-11. Review status: criteria provided, single submitter. Criteria: Invitae Variant Classification Sherloc (09022015). Collection method: clinical testing. Allele origin: germline.
Comment: This variant, c.1711_1722del, results in the deletion of 4 amino acid(s) of the HPS6 protein (p.Cys571_Gln574del), but otherwise preserves the integrity of the reading frame. This variant is present in population databases (rs752202665, gnomAD 0.004%). This variant has not been reported in the literature in individuals affected with HPS6-related conditions. Experimental studies and prediction algorithms are not available or were not evaluated, and the functional significance of this variant is currently unknown. In summary, the available evidence is currently insufficient to determine the role of this variant in disease. Therefore, it has been classified as a Variant of Uncertain Significance.

NM_024747.6(HPS6):c.1711_1722del (p.Cys571_Gln574del)

Gene: HPS6 (HPS6 biogenesis of lysosomal organelles complex 2 subunit 3; plus strand). Cytogenetic location: 10q24.32.
Variant type: Deletion.
Coding change: c.1711_1722del on transcript NM_024747.6 (MANE Select); coding-DNA positions 1711 to 1722, 12 bases deleted (TGTCTGTGCCAG).
Protein change: p.Cys571_Gln574del.
Molecular consequence: inframe deletion. On other transcripts: inframe indel (1).
Genome position (GRCh38, 1-based): chr10:102,067,185-102,067,196, TGTCTGTGCCAG deleted; deleting any 12 consecutive bases within chr10:102,067,176-102,067,196 gives the same sequence; the c. name uses the placement nearest the transcript's 3' end. VCF-style (leftmost placement, unchanged base first): chr10-102067175-CCTGTGCCAGTGT-C. GRCh37 (hg19) VCF-style: chr10-103826932-CCTGTGCCAGTGT-C.
Other names: c.1711_1722del (NM_024747.5); c.1711_1722delTGTCTGTGCCAG, p.Cys571_Gln574del (NM_024747.5).
Identifiers: ClinVar variation 2414784 (VCV002414784.4), dbSNP rs752202665, ClinGen allele CA5660022.